The following is an entry in ClinVar:

NM_018089.3(ANKZF1):c.256G>A (p.Glu86Lys)

Gene: ANKZF1 (ankyrin repeat and zinc finger peptidyl tRNA hydrolase 1; plus strand). Cytogenetic location: 2q35.
Variant type: single nucleotide variant.
Coding change: c.256G>A on transcript NM_018089.3 (MANE Select); coding-DNA position 256, G replaced by A.
Protein change: p.Glu86Lys; replaces glutamic acid 86 with lysine.
Molecular consequence: missense variant. On other transcripts: intron variant (1).
Genome position (GRCh38, 1-based): chr2:219,232,035, G>A. VCF-style: chr2-219232035-G-A. GRCh37 (hg19) VCF-style: chr2-220096757-G-A.
Other names: c.256G>A, p.Glu86Lys (NM_001042410.2); c.-266-455G>A (NM_001282792.2); c.256G>A (NM_018089.2); short protein forms E86K.
Identifiers: ClinVar variation 1153204 (VCV001153204.11), dbSNP rs200470547, ClinGen allele CA2120677.

ClinVar aggregate classification (germline): Likely benign. Review status: criteria provided, single submitter (1 of 4 stars). 2 submissions from 2 submitters: Likely benign (1). 1 of the submissions does not count toward it. Last evaluated 2026-01-22.

Conditions:
ANKZF1-related disorder. Also called: ANKZF1-related condition.

Allele frequency attached by ClinVar (database versions not stated): gnomAD exomes 0.00017 and 0.00042; ExAC 0.00051; 1000 Genomes Project 0.00120; 1000 Genomes Project 30x 0.00156; TOPMed 0.00163; gnomAD 0.00168 and 0.00180; ESP Exome Variant Server 0.00183.
gnomAD v4.1: 505 of 1,604,116 alleles (0.031%); highest among the groups gnomAD compares: African/African-American, 0.64%; 2 homozygotes.

Submissions (2):

Labcorp Genetics (formerly Invitae), Labcorp
Classification: Likely benign. Last evaluated: 2026-01-22. Review status: criteria provided, single submitter. Criteria: Invitae Variant Classification Sherloc (09022015). Collection method: clinical testing. Allele origin: germline.

PreventionGenetics, part of Exact Sciences
Classification: Likely benign for ANKZF1-related condition. Last evaluated: 2019-07-12. Review status: no assertion criteria provided. Collection method: clinical testing. Allele origin: germline. Not counted in ClinVar's aggregate classification.
Comment: This variant is classified as likely benign based on ACMG/AMP sequence variant interpretation guidelines (Richards et al. 2015 PMID: 25741868, with internal and published modifications).